The following is an entry in ClinVar:

NM_000069.3(CACNA1S):c.283A>G (p.Ile95Val)

Gene: CACNA1S (calcium voltage-gated channel subunit alpha1 S; minus strand). Cytogenetic location: 1q32.1.
Variant type: single nucleotide variant.
Coding change: c.283A>G on transcript NM_000069.3 (MANE Select); coding-DNA position 283, A replaced by G.
Protein change: p.Ile95Val; replaces isoleucine 95 with valine.
Molecular consequence: missense variant.
Genome position (GRCh38, 1-based): chr1:201,093,997, T>C on the plus strand (A>G on the coding strand, the complement: CACNA1S is on the minus strand). VCF-style: chr1-201093997-T-C. GRCh37 (hg19) VCF-style: chr1-201063125-T-C.
Other names: short protein forms I95V.
Identifiers: ClinVar variation 3071726 (VCV003071726.1), dbSNP rs1558082384, ClinGen allele CA344145849.

ClinVar aggregate classification (germline): Uncertain significance (1 of 4 stars; one submission).

Conditions:
Malignant hyperthermia, susceptibility to, 5 (MHS5). Also called: CACNA1S-Related Malignant Hyperthermia Susceptibility. Identifiers: Orphanet 423, MedGen C1866077, MONDO:0011163, OMIM 601887.

Allele frequency attached by ClinVar (database versions not stated): gnomAD exomes below 0.00001.
gnomAD v4.1: 2 of 1,614,134 alleles (0.00012%); highest among the groups gnomAD compares: African/African-American, 0.0013%; no homozygotes.

Submission:

All of Us Research Program, National Institutes of Health
Classification: Uncertain significance for Malignant hyperthermia, susceptibility to, 5. Last evaluated: 2023-06-28. Review status: criteria provided, single submitter. Criteria: ACMG Guidelines, 2015. Collection method: clinical testing. Allele origin: germline. Inheritance: Autosomal dominant inheritance. Observed: 1 variant allele, 1 heterozygote.
Comment: This study involves interpretation of variants in research participants for the purpose of population health screening. Participant phenotype was not available at the time of variant classification. Additional details can be found in publication PMID: 35346344, PMCID: PMC8962531